The following is an entry in ClinVar:

ClinVar aggregate classification (germline): Pathogenic/Likely pathogenic. Review status: criteria provided, multiple submitters, no conflicts (2 of 4 stars). 3 submissions from 3 submitters: Pathogenic (2); Likely pathogenic (1). Last evaluated 2025-07-07.

Conditions:
Familial hypokalemia-hypomagnesemia (GTLMNS). Also called: HYPOMAGNESEMIA-HYPOKALEMIA, PRIMARY RENOTUBULAR, WITH HYPOCALCIURIA; POTASSIUM AND MAGNESIUM DEPLETION; gitelman syndrome. Identifiers: Orphanet 358, MedGen C0268450, MONDO:0009904, OMIM 263800.

Submissions (3):

3billion
Classification: Pathogenic for Familial hypokalemia-hypomagnesemia. Last evaluated: 2025-07-07. Review status: criteria provided, single submitter. Criteria: ACMG Guidelines, 2015. Collection method: clinical testing. Allele origin: germline. Affected: yes.
Comment: The variant is not observed in the gnomAD v4.1.0 dataset. Predicted Consequence/Location: Frameshift: predicted to result in a loss or disruption of normal protein function through nonsense-mediated decay (NMD) or protein truncation. Multiple pathogenic variants are reported downstream of the variant. The variant has been reported at least twice as pathogenic without evidence for the classification (ClinVar ID: VCV002433367). Therefore, this variant is classified as Pathogenic according to the recommendation of ACMG/AMP guideline.

Labcorp Genetics (formerly Invitae), Labcorp
Classification: Pathogenic. Last evaluated: 2022-10-31. Review status: criteria provided, single submitter. Criteria: Invitae Variant Classification Sherloc (09022015). Collection method: clinical testing. Allele origin: germline.
Comment: This sequence change creates a premature translational stop signal (p.Ala251Hisfs*51) in the SLC12A3 gene. It is expected to result in an absent or disrupted protein product. Loss-of-function variants in SLC12A3 are known to be pathogenic (PMID: 20848653, 22009145, 25841442). For these reasons, this variant has been classified as Pathogenic. This variant has not been reported in the literature in individuals affected with SLC12A3-related conditions. This variant is not present in population databases (gnomAD no frequency).

Revvity Omics, Revvity
Classification: Likely pathogenic for Familial hypokalemia-hypomagnesemia. Last evaluated: 2022-07-02. Review status: criteria provided, single submitter. Criteria: ACMG Guidelines, 2015. Collection method: clinical testing. Allele origin: germline.

Literature cited by the submitters: PubMed 20848653 (cited by Labcorp Genetics (formerly Invitae), Labcorp); PubMed 22009145 (cited by Labcorp Genetics (formerly Invitae), Labcorp); PubMed 25841442 (cited by Labcorp Genetics (formerly Invitae), Labcorp).

NM_001126108.2(SLC12A3):c.751del (p.Ala251fs)

Gene: SLC12A3 (solute carrier family 12 member 3; plus strand). Cytogenetic location: 16q13.
Variant type: Deletion.
Coding change: c.751del on transcript NM_001126108.2 (MANE Select); coding-DNA position 751, one base deleted (G; older notation c.751delG).
Protein change: p.Ala251fs; shifts the reading frame from alanine 251.
Molecular consequence: frameshift variant.
Genome position (GRCh38, 1-based): chr16:56,870,635, G deleted; the last of 4 consecutive G bases (chr16:56,870,632-56,870,635); deleting any one gives the same sequence. VCF-style (leftmost placement, unchanged base first): chr16-56870631-TG-T. GRCh37 (hg19) VCF-style: chr16-56904543-TG-T.
Other names: c.751del, p.Ala251fs (NM_000339.3); c.748del, p.Ala250fs (NM_001126107.2); c.748delG, p.Ala250Hisfs (NM_001410896.1); short protein forms A250fs, A251fs.
Identifiers: ClinVar variation 2433367 (VCV002433367.7), dbSNP rs2543483331, ClinGen allele CA2580091685.